The following is an entry in ClinVar:

ClinVar aggregate classification (germline): Conflicting classifications of pathogenicity. Review status: criteria provided, conflicting classifications (1 of 4 stars). 3 submissions from 3 submitters: Uncertain significance (1); Likely benign (2). Last evaluated 2025-09-04.

Conditions:
Ehlers-Danlos syndrome, type 4 (EDSVASC). Also called: Ehlers-Danlos syndrome vascular type; Ehlers Danlos syndrome, ecchymotic type; Ehlers Danlos syndrome, arterial type; Ehlers Danlos syndrome, Sack-Barabas type; Ehlers-Danlos Syndrome Type IV. Identifiers: Orphanet 286, MedGen C0268338, MONDO:0017314, OMIM 130050.

Allele frequency attached by ClinVar (database versions not stated): gnomAD exomes below 0.00001; ExAC 0.00001; gnomAD 0.00001; TOPMed 0.00001.
gnomAD v4.1: 7 of 1,610,160 alleles (0.00043%); highest among the groups gnomAD compares: Non-Finnish European, 0.00059%; no homozygotes.

Submissions (3):

Labcorp Genetics (formerly Invitae), Labcorp
Classification: Likely benign for Ehlers-Danlos syndrome, type 4. Last evaluated: 2025-09-04. Review status: criteria provided, single submitter. Criteria: Invitae Variant Classification Sherloc (09022015). Collection method: clinical testing. Allele origin: germline.

Blueprint Genetics
Classification: Uncertain significance. Last evaluated: 2019-01-09. Review status: criteria provided, single submitter. Criteria: ACMG Guidelines, 2015. Collection method: clinical testing. Allele origin: germline.

GeneDx
Classification: Likely benign. Last evaluated: 2018-04-19. Review status: criteria provided, single submitter. Criteria: GeneDx Variant Classification (06012015). Collection method: clinical testing. Allele origin: germline. Affected: yes.
Comment: This variant is considered likely benign or benign based on one or more of the following criteria: it is a conservative change, it occurs at a poorly conserved position in the protein, it is predicted to be benign by multiple in silico algorithms, and/or has population frequency not consistent with disease.

NM_000090.4(COL3A1):c.2445+19A>G

Genes: COL3A1 (collagen type III alpha 1 chain; plus strand), LOC126806446 (P300/CBP strongly-dependent group 1 enhancer GRCh37_chr2:189866210-189867409; plus strand). Cytogenetic location: 2q32.2.
Variant type: single nucleotide variant.
Coding change: c.2445+19A>G on transcript NM_000090.4 (MANE Select); 19 bases into the intron after coding-DNA position 2445, A replaced by G.
Molecular consequence: intron variant.
Genome position (GRCh38, 1-based): chr2:189,002,370, A>G. VCF-style: chr2-189002370-A-G. GRCh37 (hg19) VCF-style: chr2-189867096-A-G.
Identifiers: ClinVar variation 636664 (VCV000636664.9), dbSNP rs776819930, ClinGen allele CA075326.
Genomic context (GRCh38, chr2:189,002,370, plus strand): 5'-GAAACTGGCCCTCCAGGACCTGCTGGTTTCCCTGGTGCTCCTGTAAGTGTGAATATTTAT[A>G]CATACATGTCCCATAGCCCAGGATCTCTATCTTGCTGAAAAATTACAAAAGTATAGTCAA-3'